The following is an entry in ClinVar:

ClinVar aggregate classification (germline): Conflicting classifications of pathogenicity. Review status: criteria provided, conflicting classifications (1 of 4 stars). 9 submissions from 6 submitters: Uncertain significance (8); Benign (1). Last evaluated 2025-11-17.

Conditions:
Hereditary cancer-predisposing syndrome. Also called: Neoplastic Syndromes, Hereditary; Hereditary neoplastic syndrome; Tumor predisposition; Hereditary Cancer Syndrome. Identifiers: Orphanet 140162, MedGen C0027672, MeSH D009386, MONDO:0015356.
Cardiovascular phenotype. Identifiers: MedGen CN230736.
Neurofibromatosis, familial spinal (FSNF). Identifiers: Orphanet 636, MedGen C1834235, MONDO:0008078, OMIM 162210. Disease mechanism: loss of function.
Neurofibromatosis, type 1 (NF1). Also called: VON RECKLINGHAUSEN DISEASE; NEUROFIBROMATOSIS, TYPE I, SOMATIC; Neurofibromatosis, type I; Peripheral type neurofibromatosis. Identifiers: Orphanet 636, MedGen C0027831, MONDO:0018975, OMIM 162200. Disease mechanism: loss of function.
Neurofibromatosis-Noonan syndrome (NFNS). Also called: NEUROFIBROMATOSIS WITH NOONAN PHENOTYPE. Identifiers: Orphanet 638, MedGen C2931482, MONDO:0011035, OMIM 601321. Disease mechanism: loss of function.
Café-au-lait macules with pulmonary stenosis (WTSN). Also called: PULMONIC STENOSIS WITH CAFE-AU-LAIT SPOTS. Identifiers: MedGen C0553586, MONDO:0008672, OMIM 193520.

Allele frequency attached by ClinVar (database versions not stated): gnomAD 0.00001; TOPMed 0.00001.
gnomAD v4.1: 2 of 1,614,018 alleles (0.00012%); highest among the groups gnomAD compares: Non-Finnish European, 0.00017%; no homozygotes.

Submissions (9):

Labcorp Genetics (formerly Invitae), Labcorp
Classification: Benign for Neurofibromatosis, type 1. Last evaluated: 2025-11-17. Review status: criteria provided, single submitter. Criteria: Invitae Variant Classification Sherloc (09022015). Collection method: clinical testing. Allele origin: germline.

Ambry Genetics
Classification: Uncertain significance for Cardiovascular phenotype; Hereditary cancer-predisposing syndrome. Last evaluated: 2025-10-29. Review status: criteria provided, single submitter. Criteria: Ambry Variant Classification Scheme 2023. Collection method: clinical testing. Allele origin: germline.
Comment: The p.P2488S variant (also known as c.7462C>T), located in coding exon 50 of the NF1 gene, results from a C to T substitution at nucleotide position 7462. The proline at codon 2488 is replaced by serine, an amino acid with similar properties. This amino acid position is well conserved in available vertebrate species. In addition, this alteration is predicted to be tolerated by in silico analysis. Since supporting evidence is limited at this time, the clinical significance of this alteration remains unclear.

Genetic Services Laboratory, University of Chicago
Classification: Uncertain significance. Last evaluated: 2023-08-01. Review status: criteria provided, single submitter. Criteria: ACMG Guidelines, 2015. Collection method: clinical testing. Allele origin: germline. Affected: no.
Comment: DNA sequence analysis of the NF1 gene demonstrated a sequence change, c.7462C>T, in exon 50 that results in an amino acid change, p.Pro2488Ser. This sequence change does not appear to have been previously described in individuals with NF1-related disorders and has also not been described in population databases such as ExAC and gnomAD. The p.Pro2488Ser change affects a highly conserved amino acid residue located in a domain of the NF1 protein that is known to be functional. The p.Pro2488Ser substitution appears to be benign using several in-silico pathogenicity prediction tools (SIFT, PolyPhen2, Align GVGD, REVEL). Due to insufficient evidence and the lack of functional studies, the clinical significance of the p.Pro2488Ser change remains unknown at this time.

Genome-Nilou Lab
Classification: Uncertain significance for Neurofibromatosis, type 1. Last evaluated: 2022-03-15. Review status: criteria provided, single submitter. Criteria: ACMG Guidelines, 2015. Collection method: clinical testing. Allele origin: germline. Affected: no.

GeneDx
Classification: Uncertain significance. Last evaluated: 2020-12-02. Review status: criteria provided, single submitter. Criteria: GeneDx Variant Classification Process June 2021. Collection method: clinical testing. Allele origin: germline. Affected: yes.
Comment: Not observed in large population cohorts (Lek 2016); In silico analysis supports that this missense variant does not alter protein structure/function; Has not been previously published as pathogenic or benign to our knowledge

Illumina Laboratory Services, Illumina
Classification: Uncertain significance for Neurofibromatosis-Noonan syndrome. Last evaluated: 2018-01-12. Review status: criteria provided, single submitter. Criteria: ICSL Variant Classification Criteria 13 December 2019. Collection method: clinical testing. Allele origin: germline.

Illumina Laboratory Services, Illumina
Classification: Uncertain significance for Neurofibromatosis, type 1. Last evaluated: 2018-01-12. Review status: criteria provided, single submitter. Criteria: ICSL Variant Classification Criteria 13 December 2019. Collection method: clinical testing. Allele origin: germline.

Illumina Laboratory Services, Illumina
Classification: Uncertain significance for Neurofibromatosis, familial spinal. Last evaluated: 2018-01-12. Review status: criteria provided, single submitter. Criteria: ICSL Variant Classification Criteria 13 December 2019. Collection method: clinical testing. Allele origin: germline.

Illumina Laboratory Services, Illumina
Classification: Uncertain significance for Café-au-lait macules with pulmonary stenosis. Last evaluated: 2018-01-12. Review status: criteria provided, single submitter. Criteria: ICSL Variant Classification Criteria 13 December 2019. Collection method: clinical testing. Allele origin: germline.

NM_001042492.3(NF1):c.7525C>T (p.Pro2509Ser)

Gene: NF1 (neurofibromin 1; plus strand). Cytogenetic location: 17q11.2.
Variant type: single nucleotide variant.
Coding change: c.7525C>T on transcript NM_001042492.3 (MANE Select); coding-DNA position 7525, C replaced by T.
Protein change: p.Pro2509Ser; replaces proline 2509 with serine.
Molecular consequence: missense variant.
Genome position (GRCh38, 1-based): chr17:31,352,324, C>T. VCF-style: chr17-31352324-C-T. GRCh37 (hg19) VCF-style: chr17-29679342-C-T.
Other names: c.7462C>T, p.Pro2488Ser (NM_000267.4); short protein forms P2509S, P2488S.
Identifiers: ClinVar variation 322577 (VCV000322577.22), dbSNP rs886052803, ClinGen allele CA10648998.